The following is an entry in ClinVar:

NM_003221.4(TFAP2B):c.418G>C (p.Asp140His)

Gene: TFAP2B (transcription factor AP-2 beta; plus strand). Cytogenetic location: 6p12.3.
Variant type: single nucleotide variant.
Coding change: c.418G>C on transcript NM_003221.4 (MANE Select); coding-DNA position 418, G replaced by C.
Protein change: p.Asp140His; replaces aspartic acid 140 with histidine.
Molecular consequence: missense variant.
Genome position (GRCh38, 1-based): chr6:50,823,743, G>C. VCF-style: chr6-50823743-G-C. GRCh37 (hg19) VCF-style: chr6-50791456-G-C.
Other names: short protein forms D140H.
Identifiers: ClinVar variation 1977011 (VCV001977011.5), dbSNP rs765064182, ClinGen allele CA3850338.

ClinVar aggregate classification (germline): Uncertain significance (1 of 4 stars; one submission).

Allele frequency attached by ClinVar (database versions not stated): ExAC 0.00001.

Submission:

Labcorp Genetics (formerly Invitae), Labcorp
Classification: Uncertain significance. Last evaluated: 2022-06-06. Review status: criteria provided, single submitter. Criteria: Invitae Variant Classification Sherloc (09022015). Collection method: clinical testing. Allele origin: germline.
Comment: Algorithms developed to predict the effect of missense changes on protein structure and function (SIFT, PolyPhen-2, Align-GVGD) all suggest that this variant is likely to be disruptive. In summary, the available evidence is currently insufficient to determine the role of this variant in disease. Therefore, it has been classified as a Variant of Uncertain Significance. This variant has not been reported in the literature in individuals affected with TFAP2B-related conditions. This sequence change replaces aspartic acid, which is acidic and polar, with histidine, which is basic and polar, at codon 140 of the TFAP2B protein (p.Asp140His). This variant is not present in population databases (gnomAD no frequency).